The following is an entry in ClinVar:

ClinVar aggregate classification (germline): Uncertain significance (1 of 4 stars; one submission).

Conditions:
Cardiomyopathy (CMYO). Also called: Cardiomyopathies. Identifiers: Orphanet 167848, MedGen C0878544, MONDO:0004994, HP:0001638. Inheritance: Various modes of inheritance.

gnomAD v4.1: 4 of 1,609,778 alleles (0.00025%); highest among the groups gnomAD compares: Non-Finnish European, 0.00034%; no homozygotes.

Submission:

Color Diagnostics, LLC DBA Color Health
Classification: Uncertain significance for Cardiomyopathy. Last evaluated: 2019-04-14. Review status: criteria provided, single submitter. Criteria: ACMG Guidelines, 2015. Collection method: clinical testing. Allele origin: germline.
Comment: This missense variant replaces serine with glycine at codon 47 of the MYBPC3 protein. Computational prediction tools and conservation analyses suggest that this variant may not impact the protein function. Computational splicing tools suggest that this variant may not impact RNA splicing. To our knowledge, functional assays have not been performed for this variant nor has this variant been reported in individuals affected with cardiovascular disorders in the literature. This variant has not been identified in the general population by the Genome Aggregation Database (gnomAD). Available evidence is insufficient to determine the role of this variant in disease conclusively. Therefore, this variant is classified as a Variant of Uncertain Significance.

NM_000256.3(MYBPC3):c.139A>G (p.Ser47Gly)

Gene: MYBPC3 (myosin binding protein C3; minus strand). Cytogenetic location: 11p11.2.
Variant type: single nucleotide variant.
Coding change: c.139A>G on transcript NM_000256.3 (MANE Select); coding-DNA position 139, A replaced by G.
Protein change: p.Ser47Gly; replaces serine 47 with glycine.
Molecular consequence: missense variant.
Genome position (GRCh38, 1-based): chr11:47,351,392, T>C on the plus strand (A>G on the coding strand, the complement: MYBPC3 is on the minus strand). VCF-style: chr11-47351392-T-C. GRCh37 (hg19) VCF-style: chr11-47372943-T-C.
Other names: short protein forms S47G.
Identifiers: ClinVar variation 923707 (VCV000923707.3), dbSNP rs1267396024, ClinGen allele CA380341854.